The following is an entry in ClinVar:

ClinVar aggregate classification (germline): Uncertain significance (1 of 4 stars; one submission).

Conditions:
Progressive familial heart block type IB (PFHB1B). Identifiers: Orphanet 871, MedGen C1970298, MONDO:0011474, OMIM 604559.

Allele frequency attached by ClinVar (database versions not stated): gnomAD exomes below 0.00001.
gnomAD v4.1: 1 of 1,614,080 alleles (0.000062%); highest among the groups gnomAD compares: Admixed American, 0.0017%; no homozygotes.

Submission:

Labcorp Genetics (formerly Invitae), Labcorp
Classification: Uncertain significance for Progressive familial heart block type IB. Last evaluated: 2021-11-15. Review status: criteria provided, single submitter. Criteria: Invitae Variant Classification Sherloc (09022015). Collection method: clinical testing. Allele origin: germline.
Comment: In summary, the available evidence is currently insufficient to determine the role of this variant in disease. Therefore, it has been classified as a Variant of Uncertain Significance. Algorithms developed to predict the effect of sequence changes on RNA splicing suggest that this variant may create or strengthen a splice site. Algorithms developed to predict the effect of missense changes on protein structure and function are either unavailable or do not agree on the potential impact of this missense change (SIFT: "Tolerated"; PolyPhen-2: "Probably Damaging"; Align-GVGD: "Class C0"). This variant has not been reported in the literature in individuals affected with TRPM4-related conditions. This variant is present in population databases (no rsID available, gnomAD 0.003%). This sequence change replaces methionine, which is neutral and non-polar, with isoleucine, which is neutral and non-polar, at codon 900 of the TRPM4 protein (p.Met900Ile).

NM_017636.4(TRPM4):c.2700G>A (p.Met900Ile)

Gene: TRPM4 (transient receptor potential cation channel subfamily M member 4; plus strand). Cytogenetic location: 19q13.33.
Variant type: single nucleotide variant.
Coding change: c.2700G>A on transcript NM_017636.4 (MANE Select); coding-DNA position 2700, G replaced by A.
Protein change: p.Met900Ile; replaces methionine 900 with isoleucine.
Molecular consequence: missense variant.
Genome position (GRCh38, 1-based): chr19:49,200,354, G>A. VCF-style: chr19-49200354-G-A. GRCh37 (hg19) VCF-style: chr19-49703611-G-A.
Other names: c.2265G>A, p.Met755Ile (NM_001195227.2); c.2355G>A, p.Met785Ile (NM_001321281.2); c.1092G>A, p.Met364Ile (NM_001321282.2); c.2178G>A, p.Met726Ile (NM_001321283.2); c.1638G>A, p.Met546Ile (NM_001321285.2); short protein forms M726I, M900I, M364I, M785I, M546I, M755I.
Identifiers: ClinVar variation 1484036 (VCV001484036.6), dbSNP rs1196573819, ClinGen allele CA406810258.